The following is an entry in ClinVar:

NM_001009999.3(KDM1A):c.1474G>C (p.Val492Leu)

Gene: KDM1A (lysine demethylase 1A; plus strand). Cytogenetic location: 1p36.12.
Variant type: single nucleotide variant.
Coding change: c.1474G>C on transcript NM_001009999.3 (MANE Select); coding-DNA position 1474, G replaced by C.
Protein change: p.Val492Leu; replaces valine 492 with leucine.
Molecular consequence: missense variant.
Genome position (GRCh38, 1-based): chr1:23,071,285, G>C. VCF-style: chr1-23071285-G-C. GRCh37 (hg19) VCF-style: chr1-23397778-G-C.
Other names: c.1402G>C, p.Val468Leu (NM_001363654.2, NM_001410763.1, NM_015013.4); c.1462G>C, p.Val488Leu (NM_001410762.1); short protein forms V492L, V488L, V468L.
Identifiers: ClinVar variation 4622676 (VCV004622676.1).

ClinVar aggregate classification (germline): Uncertain significance (1 of 4 stars; one submission).

Conditions:
Inborn genetic diseases. Identifiers: MedGen C0950123, MeSH D030342.

gnomAD v4.1: 4 of 1,612,638 alleles (0.00025%); highest among the groups gnomAD compares: Non-Finnish European, 0.00034%; no homozygotes.

Submission:

Ambry Genetics
Classification: Uncertain significance for Inborn genetic diseases. Last evaluated: 2025-10-13. Review status: criteria provided, single submitter. Criteria: Ambry Variant Classification Scheme 2023. Collection method: clinical testing. Allele origin: germline.
Comment: The p.V492L variant (also known as c.1474G>C), located in coding exon 13 of the KDM1A gene, results from a G to C substitution at nucleotide position 1474. The valine at codon 492 is replaced by leucine, an amino acid with highly similar properties. This amino acid position is conserved. In addition, this alteration is predicted to be tolerated by in silico analysis. Based on the available evidence, the clinical significance of this variant remains unclear.